The following is an entry in ClinVar:

ClinVar aggregate classification (germline): Benign/Likely benign. Review status: criteria provided, multiple submitters, no conflicts (2 of 4 stars). 4 submissions from 4 submitters: Benign (1); Likely benign (3). Last evaluated 2026-05-13.

Conditions:
Oculofaciocardiodental syndrome (MCOPS2). Identifiers: Orphanet 2712, MedGen C1846265, MONDO:0010261, OMIM 300166.
BCOR-related disorder. Also called: BCOR-related disorders; BCOR-related condition.

Allele frequency attached by ClinVar (database versions not stated): ESP Exome Variant Server 0.00009; gnomAD 0.00009; TOPMed 0.00012.
gnomAD v4.1: 125 of 1,210,282 alleles (0.01%); highest among the groups gnomAD compares: Non-Finnish European, 0.0012%; no homozygotes.

Submissions (4):

PreventionGenetics, part of Exact Sciences
Classification: Likely benign for BCOR-related condition. Last evaluated: 2026-05-13. Review status: criteria provided, single submitter. Criteria: ACMG Guidelines, 2015. Collection method: clinical testing. Allele origin: germline.
Comment: This variant is classified as likely benign based on ACMG/AMP sequence variant interpretation guidelines (Richards et al. 2015 PMID: 25741868, with internal and published modifications).

Labcorp Genetics (formerly Invitae), Labcorp
Classification: Benign for Oculofaciocardiodental syndrome. Last evaluated: 2024-07-02. Review status: criteria provided, single submitter. Criteria: Invitae Variant Classification Sherloc (09022015). Collection method: clinical testing. Allele origin: germline.

CeGaT Center for Human Genetics Tuebingen
Classification: Likely benign. Last evaluated: 2023-02-01. Review status: criteria provided, single submitter. Criteria: CeGaT Center For Human Genetics Tuebingen Variant Classification Criteria Version 2. Collection method: clinical testing. Allele origin: germline. Affected: yes. Observed: 1 variant allele.
Comment: BCOR: BP4, BS2

Department of Pathology and Laboratory Medicine, Sinai Health System
Classification: Likely benign for microphthalmia, syndromic 2. Last evaluated: 2021-07-30. Review status: criteria provided, single submitter. Criteria: ACMG Guidelines, 2015. Collection method: research. Allele origin: germline.

NM_001123385.2(BCOR):c.2807C>A (p.Thr936Asn)

Gene: BCOR (BCL6 corepressor; minus strand). Cytogenetic location: Xp11.4.
Variant type: single nucleotide variant.
Coding change: c.2807C>A on transcript NM_001123385.2 (MANE Select); coding-DNA position 2807, C replaced by A.
Protein change: p.Thr936Asn; replaces threonine 936 with asparagine.
Molecular consequence: missense variant.
Genome position (GRCh38, 1-based): chrX:40,072,539, G>T on the plus strand (C>A on the coding strand, the complement: BCOR is on the minus strand). VCF-style: chrX-40072539-G-T. GRCh37 (hg19) VCF-style: chrX-39931792-G-T.
Other names: c.2807C>A, p.Thr936Asn (NM_001123383.2, NM_001123384.2, NM_017745.6); short protein forms T936N.
Identifiers: ClinVar variation 2660309 (VCV002660309.28), dbSNP rs201054222, ClinGen allele CA10386745.
Genomic context (GRCh38, chrX:40,072,539, plus strand): 5'-TTCAGAACTTTGCCATCATTTGATTCAGCCTCATCAGCTCCATCTTTGGTATAGGTGGGG[G>T]TCACATCCACACTTGGTGGGGCACTGCCCACACAAAATGGTTTGGGATCCTCTTGGGTTT-3'
Protein context (NP_001116857.1, residues 926-946): VGSAPPSVDV[Thr936Asn]PTYTKDGADE